The following is an entry in ClinVar:

NM_000157.4(GBA1):c.1294T>A (p.Trp432Arg)

Genes: GBA1 (glucosylceramidase beta 1; minus strand), LOC106627981 (GBA recombination region; plus strand). Cytogenetic location: 1q22.
Variant type: single nucleotide variant.
Coding change: c.1294T>A on transcript NM_000157.4 (MANE Select); coding-DNA position 1294, T replaced by A.
Protein change: p.Trp432Arg; replaces tryptophan 432 with arginine.
Molecular consequence: missense variant.
Genome position (GRCh38, 1-based): chr1:155,235,775, A>T on the plus strand (T>A on the coding strand, the complement: GBA1 is on the minus strand). VCF-style: chr1-155235775-A-T. GRCh37 (hg19) VCF-style: chr1-155205566-A-T.
Other names: c.1294T>A (NM_000157.3); c.1294T>A, p.Trp432Arg (NM_001005741.3, NM_001005742.3); c.1033T>A, p.Trp345Arg (NM_001171811.2); c.1147T>A, p.Trp383Arg (NM_001171812.2); short protein forms W432R, W383R, W345R.
Identifiers: ClinVar variation 599275 (VCV000599275.3), dbSNP rs1557901552, ClinGen allele CA342713466.

ClinVar aggregate classification (germline): Likely pathogenic. Review status: criteria provided, single submitter (1 of 4 stars). 2 submissions from 2 submitters: Likely pathogenic (1). 1 of the submissions does not count toward it. Last evaluated 2024-10-27.

Conditions:
Gaucher disease. Also called: Acute cerebral Gaucher disease; Cerebroside lipidosis syndrome; Gaucher splenomegaly; Sphingolipidosis 1; Glucocerebrosidosis; Glucosylceramidase deficiency. Identifiers: Orphanet 355, MedGen C0017205, MONDO:0018150.
Parkinson disease, late-onset (PD). Also called: PARKINSON DISEASE, LATE-ONSET, SUSCEPTIBILITY TO; Susceptibility to Parkinson's Disease; Hereditary late onset Parkinson disease. Identifiers: Orphanet 411602, MedGen C3160718, MONDO:0008199, OMIM 168600.

Allele frequency attached by ClinVar (database versions not stated): gnomAD exomes below 0.00001.
gnomAD v4.1: 1 of 1,614,214 alleles (0.000062%); highest among the groups gnomAD compares: Non-Finnish European, 0.000085%; no homozygotes.

Submissions (2):

Natera, Inc.
Classification: Likely pathogenic for Gaucher disease. Last evaluated: 2024-10-27. Review status: criteria provided, single submitter. Criteria: Natera Variant Classification Schema (03/2026). Collection method: clinical testing. Allele origin: germline.
Comment: The c.1294T>A variant in GBA1 is a missense variant predicted to cause substitution of tryptophan to arginine at amino acid 432. This variant is rare in the general population with a frequency below the threshold expected for the associated phenotype(s). This variant has been observed in one or more individuals affected with the associated recessive disease, as either homozygous or compound heterozygous with a second variant (PMID: 9554454, 26100396, 39006867). This variant has been identified in one or more affected individual with a phenotype highly consistent with the associated gene (PMID: 26100396). Computational prediction algorithms indicate this variant is likely to affect gene or protein function. Given the available evidence, this variant is classified as Likely Pathogenic.

SNPedia
Classification: Pathogenic for Parkinson disease, late-onset. Review status: no assertion criteria provided. Collection method: literature only. Allele origin: germline. Inheritance: Autosomal dominant inheritance. Affected: yes. Not counted in ClinVar's aggregate classification.

Literature cited by the submitters: PubMed 9554454 (cited by Natera, Inc.); PubMed 26100396 (cited by Natera, Inc.); PubMed 39006867 (cited by Natera, Inc.); PubMed 27872820 (cited by SNPedia); PubMed 9516376 (cited by SNPedia).